The following is an entry in ClinVar:

ClinVar aggregate classification (germline): Conflicting classifications of pathogenicity. Review status: criteria provided, conflicting classifications (1 of 4 stars). 3 submissions from 3 submitters: Likely pathogenic (1); Uncertain significance (2). Last evaluated 2024-05-31.

Conditions:
Autosomal recessive limb-girdle muscular dystrophy type 2J (LGMDR10). Also called: MUSCULAR DYSTROPHY, LIMB-GIRDLE, AUTOSOMAL RECESSIVE 10; Limb-girdle muscular dystrophy, type 2J. Identifiers: Orphanet 140922, MedGen C1837342, MONDO:0012127, OMIM 608807.
Dilated cardiomyopathy 1G (CMD1G). Identifiers: Orphanet 154, MedGen C1858763, MONDO:0011400, OMIM 604145.
Hypertrophic cardiomyopathy 9. Also called: Familial hypertrophic cardiomyopathy 9. Identifiers: MedGen C1861065, MONDO:0013412, OMIM 613765.
Tibial muscular dystrophy (TMD). Also called: Udd Distal Myopathy – Tibial Muscular Dystrophy; UDD MYOPATHY; Tibial muscular dystrophy, tardive. Identifiers: Orphanet 609, MedGen C1838244, MONDO:0010870, OMIM 600334.
Early-onset myopathy with fatal cardiomyopathy (CMYO5). Also called: CONGENITAL MYOPATHY 5 WITH CARDIOMYOPATHY; Salih Myopathy. Identifiers: Orphanet 289377, MedGen C2673677, MONDO:0012714, OMIM 611705. Disease mechanism: loss of function.
Myopathy, myofibrillar, 9, with early respiratory failure (MFM9). Also called: Myopathy, distal, with early respiratory failure, autosomal dominant; Hereditary myopathy with early respiratory failure; EDSTROM MYOPATHY; MYOPATHY, PROXIMAL, WITH EARLY RESPIRATORY MUSCLE INVOLVEMENT. Identifiers: Orphanet 178464, Orphanet 34521, MedGen C1863599, MONDO:0011362, OMIM 603689.

Submissions (3):

GeneDx
Classification: Uncertain significance. Last evaluated: 2024-05-31. Review status: criteria provided, single submitter. Criteria: GeneDx Variant Classification Process June 2021. Collection method: clinical testing. Allele origin: germline. Affected: yes.
Comment: Not observed at significant frequency in large population cohorts (gnomAD); Frameshift variant predicted to result in protein truncation or nonsense mediated decay in a gene or region of a gene for which loss of function is not a well-established mechanism of disease; Has not been previously published as pathogenic or benign to our knowledge

Fulgent Genetics
Classification: Uncertain significance for Tibial muscular dystrophy; Myopathy, myofibrillar, 9, with early respiratory failure; Dilated cardiomyopathy 1G; Autosomal recessive limb-girdle muscular dystrophy type 2J; Early-onset myopathy with fatal cardiomyopathy; Hypertrophic cardiomyopathy 9. Last evaluated: 2024-05-08. Review status: criteria provided, single submitter. Criteria: ACMG Guidelines, 2015. Collection method: clinical testing. Allele origin: germline.

Labcorp Genetics (formerly Invitae), Labcorp
Classification: Likely pathogenic for Dilated cardiomyopathy 1G; Autosomal recessive limb-girdle muscular dystrophy type 2J. Last evaluated: 2024-04-25. Review status: criteria provided, single submitter. Criteria: Invitae Variant Classification Sherloc (09022015). Collection method: clinical testing. Allele origin: germline.
Comment: This sequence change creates a premature translational stop signal (p.Val10766Leufs*6) in the TTN gene. While this is not anticipated to result in nonsense mediated decay, it is expected to create a truncated TTN protein. This variant is present in population databases (no rsID available, gnomAD 0.003%). This variant has not been reported in the literature in individuals affected with TTN-related conditions. This variant is located in the I band of TTN (PMID: 25589632). Truncating variants in this region have been reported in individuals affected with autosomal recessive centronuclear myopathy (PMID: 23975875, Invitae internal data). Truncating variants in this region have also been identified in individuals affected with autosomal dominant dilated cardiomyopathy and/or cardio-related conditions (PMID: 27869827, 32964742, Invitae internal data). In summary, the currently available evidence indicates that the variant is pathogenic, but additional data are needed to prove that conclusively. Therefore, this variant has been classified as Likely Pathogenic.

Literature cited by the submitters: PubMed 25589632 (cited by Labcorp Genetics (formerly Invitae), Labcorp); PubMed 23975875 (cited by Labcorp Genetics (formerly Invitae), Labcorp); PubMed 27869827 (cited by Labcorp Genetics (formerly Invitae), Labcorp); PubMed 32964742 (cited by Labcorp Genetics (formerly Invitae), Labcorp).

NM_001267550.2(TTN):c.32296del (p.Val10766fs)

Gene: TTN (titin; minus strand). Cytogenetic location: 2q31.2.
Variant type: Deletion.
Coding change: c.32296del on transcript NM_001267550.2 (MANE Select); coding-DNA position 32296, one base deleted (G; older notation c.32296delG).
Protein change: p.Val10766fs; shifts the reading frame from valine 10766.
Molecular consequence: frameshift variant. On other transcripts: intron variant (3).
Genome position (GRCh38, 1-based): chr2:178,688,126, C deleted on the plus strand (G on the coding strand, the reverse complement: TTN is on the minus strand); the first of 2 consecutive C bases (chr2:178,688,126-178,688,127); deleting either gives the same sequence. VCF-style (leftmost placement, unchanged base first): chr2-178688125-AC-A. GRCh37 (hg19) VCF-style: chr2-179552852-AC-A.
Other names: c.31345del, p.Val10449fs (NM_001256850.1); c.32295delG, p.Val10766Leufs (NM_001267550.1); c.28564del, p.Val9522fs (NM_133378.4); c.13283-45809del (NM_003319.4); c.13859-45809del (NM_133437.4); c.13658-45809del (NM_133432.3); short protein forms V10449fs, V10766fs, V9522fs.
Identifiers: ClinVar variation 3384378 (VCV003384378.4).
Genomic context (GRCh38, chr2:178,688,125, plus strand): 5'-CCTCATCAAAACCCCAGATCATCTCTAGCTTATTTGCATTGTTTACCTTCATATTCTGTA[AC>A]CTCTGCTTCTTCCTCCTCCTCTCTTTCTTCTTCTCTATAAACTGAAATGGACACACCTTC-3'